The following is an entry in ClinVar:

NM_025243.4(SLC19A3):c.1444_1445delinsCT (p.Ser482Leu)

Gene: SLC19A3 (solute carrier family 19 member 3; minus strand). Cytogenetic location: 2q36.3.
Variant type: Indel.
Coding change: c.1444_1445delinsCT on transcript NM_025243.4 (MANE Select); coding-DNA positions 1444 to 1445, TC replaced by CT.
Protein change: p.Ser482Leu; replaces serine 482 with leucine.
Molecular consequence: missense variant.
Genome position (GRCh38, 1-based): chr2:227,687,443-227,687,444, GA replaced by AG on the plus strand (TC replaced by CT on the coding strand, the reverse complement: SLC19A3 is on the minus strand). VCF-style: chr2-227687443-GA-AG. GRCh37 (hg19) VCF-style: chr2-228552159-GA-AG.
Other names: c.1444_1445delinsCT, p.Ser482Leu (NM_001371411.1, NM_001371412.1); c.1432_1433delinsCT, p.Ser478Leu (NM_001371413.1, NM_001371414.1); short protein forms S482L, S478L.
Identifiers: ClinVar variation 2150795 (VCV002150795.4), dbSNP rs2470552859, ClinGen allele CA2580065945.

ClinVar aggregate classification (germline): Uncertain significance (1 of 4 stars; one submission).

Conditions:
Biotin-responsive basal ganglia disease (BTBGD). Also called: Thiamine metabolism dysfunction syndrome 2 (biotin- or thiamine-responsive encephalopathy type 2); thiamine-responsive encephalopathy; THIAMINE METABOLISM DYSFUNCTION SYNDROME 2 (BIOTIN- AND THIAMINE-RESPONSIVE TYPE); Thiamine Transporter-2 Deficiency; Thiamine metabolism dysfunction syndrome type 2. Identifiers: Orphanet 199348, Orphanet 65284, MedGen C1843807, MONDO:0011841, OMIM 607483.

Submission:

Labcorp Genetics (formerly Invitae), Labcorp
Classification: Uncertain significance for Biotin-responsive basal ganglia disease. Last evaluated: 2022-01-28. Review status: criteria provided, single submitter. Criteria: Invitae Variant Classification Sherloc (09022015). Collection method: clinical testing. Allele origin: germline.
Comment: In summary, the available evidence is currently insufficient to determine the role of this variant in disease. Therefore, it has been classified as a Variant of Uncertain Significance. Algorithms developed to predict the effect of missense changes on protein structure and function are either unavailable or do not agree on the potential impact of this missense change (SIFT: "Not Available"; PolyPhen-2: "Benign"; Align-GVGD: "Not Available"). This variant has not been reported in the literature in individuals affected with SLC19A3-related conditions. Information on the frequency of this variant in the gnomAD database is not available, as this variant may be reported differently in the database. This sequence change replaces serine, which is neutral and polar, with leucine, which is neutral and non-polar, at codon 482 of the SLC19A3 protein (p.Ser482Leu).